The following is an entry in ClinVar:

ClinVar aggregate classification (germline): Benign. Review status: criteria provided, multiple submitters, no conflicts (2 of 4 stars). 9 submissions from 8 submitters: Benign (9). Last evaluated 2026-02-04.

Conditions:
Congenital ichthyosis of skin. Identifiers: MedGen C0020758.
Autosomal recessive congenital ichthyosis 4B (ARCI4B). Also called: Harlequin Fetus; ICHTHYOSIS CONGENITA, HARLEQUIN FETUS TYPE; HARLEQUIN ICHTHYOSIS; Ichthyosis, congenital, autosomal recessive 4B (harlequin). Identifiers: Orphanet 457, MedGen C0598226, MONDO:0009443, OMIM 242500.
Autosomal recessive congenital ichthyosis 4A (LI2). Also called: ICHTHYOSIS CONGENITA IIB. Identifiers: Orphanet 313, MedGen C1832550, MONDO:0011026, OMIM 601277.

Allele frequency attached by ClinVar (database versions not stated): 1000 Genomes Project 0.35004; 1000 Genomes Project 30x 0.35119; TOPMed 0.37836; ESP Exome Variant Server 0.38221; ExAC 0.40511; gnomAD exomes 0.40571.
gnomAD v4.1: 655,297 of 1,613,548 alleles (41%); highest among the groups gnomAD compares: South Asian, 47%; 135,013 homozygotes.

Submissions (9):

Labcorp Genetics (formerly Invitae), Labcorp
Classification: Benign. Last evaluated: 2026-02-04. Review status: criteria provided, single submitter. Criteria: Invitae Variant Classification Sherloc (09022015). Collection method: clinical testing. Allele origin: germline.

Women's Health and Genetics/Laboratory Corporation of America, LabCorp
Classification: Benign. Last evaluated: 2025-10-13. Review status: criteria provided, single submitter. Criteria: LabCorp Variant Classification Summary - May 2015. Collection method: clinical testing. Allele origin: germline.

Blueprint Genetics
Classification: Benign. Last evaluated: 2024-11-26. Review status: criteria provided, single submitter. Criteria: ACMG Guidelines, 2015. Collection method: clinical testing. Allele origin: germline.

Genome-Nilou Lab
Classification: Benign for Autosomal recessive congenital ichthyosis 4A. Last evaluated: 2021-07-14. Review status: criteria provided, single submitter. Criteria: ACMG Guidelines, 2015. Collection method: clinical testing. Allele origin: germline. Affected: no.

Genome-Nilou Lab
Classification: Benign for Autosomal recessive congenital ichthyosis 4B. Last evaluated: 2021-07-14. Review status: criteria provided, single submitter. Criteria: ACMG Guidelines, 2015. Collection method: clinical testing. Allele origin: germline. Affected: no.

Illumina Laboratory Services, Illumina
Classification: Benign for Congenital ichthyosis of skin. Last evaluated: 2018-01-13. Review status: criteria provided, single submitter. Criteria: ICSL Variant Classification Criteria 13 December 2019. Collection method: clinical testing. Allele origin: germline.
Comment: This variant was observed in the ICSL laboratory as part of a predisposition screen in an ostensibly healthy population. It had not been previously curated by ICSL or reported in the Human Gene Mutation Database (HGMD: prior to June 1st, 2018), and was therefore a candidate for classification through an automated scoring system. Utilizing variant allele frequency, disease prevalence and penetrance estimates, and inheritance mode, an automated score was calculated to assess if this variant is too frequent to cause the disease. Based on the score and internal cut-off values, a variant classified as benign is not then subjected to further curation. The score for this variant resulted in a classification of benign for this disease.

GeneDx
Classification: Benign. Last evaluated: 2015-03-03. Review status: criteria provided, single submitter. Criteria: GeneDx Variant Classification Process June 2021. Collection method: clinical testing. Allele origin: germline. Affected: yes.

Breakthrough Genomics
Classification: Benign. Review status: criteria provided, single submitter. Criteria: ACMG Guidelines, 2015. Collection method: not provided. Allele origin: germline. Inheritance: Autosomal recessive inheritance. Affected: yes.

PreventionGenetics, part of Exact Sciences
Classification: Benign. Review status: criteria provided, single submitter. Criteria: ACMG Guidelines, 2015. Collection method: clinical testing. Allele origin: germline.

NM_173076.3(ABCA12):c.6306C>T (p.Tyr2102=)

Genes: ABCA12 (ATP binding cassette subfamily A member 12; minus strand), SNHG31 (small nucleolar RNA host gene 31; plus strand). Cytogenetic location: 2q35.
Variant type: single nucleotide variant.
Coding change: c.6306C>T on transcript NM_173076.3 (MANE Select); coding-DNA position 6306, C replaced by T.
Protein change: p.Tyr2102=; no amino-acid change (tyrosine 2102 retained).
Molecular consequence: synonymous variant. On other transcripts: non-coding transcript variant (1).
Genome position (GRCh38, 1-based): chr2:214,955,289, G>A on the plus strand (C>T on the coding strand, the complement: ABCA12 is on the minus strand). VCF-style: chr2-214955289-G-A. GRCh37 (hg19) VCF-style: chr2-215820013-G-A.
Other names: c.5352C>T, p.Tyr1784= (NM_015657.4).
Identifiers: ClinVar variation 262831 (VCV000262831.20), dbSNP rs10498027, ClinGen allele CA2090937.